The following is an entry in ClinVar:

ClinVar aggregate classification (germline): Uncertain significance (1 of 4 stars; one submission).

Allele frequency attached by ClinVar (database versions not stated): TOPMed below 0.00001.

Submission:

Labcorp Genetics (formerly Invitae), Labcorp
Classification: Uncertain significance. Last evaluated: 2023-02-27. Review status: criteria provided, single submitter. Criteria: Invitae Variant Classification Sherloc (09022015). Collection method: clinical testing. Allele origin: germline.
Comment: In summary, the available evidence is currently insufficient to determine the role of this variant in disease. Therefore, it has been classified as a Variant of Uncertain Significance. Advanced modeling of protein sequence and biophysical properties (such as structural, functional, and spatial information, amino acid conservation, physicochemical variation, residue mobility, and thermodynamic stability) has been performed at Invitae for this missense variant, however the output from this modeling did not meet the statistical confidence thresholds required to predict the impact of this variant on TECTA protein function. This variant has not been reported in the literature in individuals affected with TECTA-related conditions. This variant is present in population databases (no rsID available, gnomAD 0.01%). This sequence change replaces cysteine, which is neutral and slightly polar, with tyrosine, which is neutral and polar, at codon 713 of the TECTA protein (p.Cys713Tyr).

NM_005422.4(TECTA):c.2138G>A (p.Cys713Tyr)

Genes: TBCEL-TECTA (TBCEL-TECTA readthrough; plus strand), TECTA (tectorin alpha; plus strand). Cytogenetic location: 11q23.3.
Variant type: single nucleotide variant.
Coding change: c.2138G>A on transcript NM_005422.4 (MANE Select); coding-DNA position 2138, G replaced by A.
Protein change: p.Cys713Tyr; replaces cysteine 713 with tyrosine.
Molecular consequence: missense variant.
Genome position (GRCh38, 1-based): chr11:121,128,115, G>A. VCF-style: chr11-121128115-G-A. GRCh37 (hg19) VCF-style: chr11-120998824-G-A.
Other names: c.3095G>A, p.Cys1032Tyr (NM_001378761.1); short protein forms C1032Y, C713Y.
Identifiers: ClinVar variation 2875410 (VCV002875410.3), dbSNP rs1195013078, ClinGen allele CA383014258.
Genomic context (GRCh38, chr11:121,128,115, plus strand): 5'-GGGAGGTGTGCGCCGTGGAGGACGGCTACCAGGGCTGCTTCCCCAAGCGGGAGACCGTGT[G>A]CCTGCTCAGCCAGAACCAGGTGCTGCACACCTTTGACGGCGCCTCCTACGCCTTCCCCTC-3'
Protein context (NP_005413.2, residues 703-723): QGCFPKRETV[Cys713Tyr]LLSQNQVLHT